The following is an entry in ClinVar:

ClinVar aggregate classification (germline): Uncertain significance (1 of 4 stars; one submission).

gnomAD v4.1: 3 of 1,612,486 alleles (0.00019%); highest among the groups gnomAD compares: Non-Finnish European, 0.00025%; no homozygotes.

Submission:

Labcorp Genetics (formerly Invitae), Labcorp
Classification: Uncertain significance. Last evaluated: 2024-07-24. Review status: criteria provided, single submitter. Criteria: Invitae Variant Classification Sherloc (09022015). Collection method: clinical testing. Allele origin: germline.
Comment: This sequence change replaces glutamine, which is neutral and polar, with arginine, which is basic and polar, at codon 415 of the ADGRA3 protein (p.Gln415Arg). This variant is not present in population databases (gnomAD no frequency). This variant has not been reported in the literature in individuals affected with ADGRA3-related conditions. An algorithm developed to predict the effect of missense changes on protein structure and function (PolyPhen-2) suggests that this variant is likely to be disruptive. Algorithms developed to predict the effect of sequence changes on RNA splicing suggest that this variant may create or strengthen a splice site. In summary, the available evidence is currently insufficient to determine the role of this variant in disease. Therefore, it has been classified as a Variant of Uncertain Significance.

NM_145290.4(ADGRA3):c.1244A>G (p.Gln415Arg)

Gene: ADGRA3 (adhesion G protein-coupled receptor A3; minus strand). Cytogenetic location: 4p15.2.
Variant type: single nucleotide variant.
Coding change: c.1244A>G on transcript NM_145290.4 (MANE Select); coding-DNA position 1244, A replaced by G.
Protein change: p.Gln415Arg; replaces glutamine 415 with arginine.
Molecular consequence: missense variant.
Genome position (GRCh38, 1-based): chr4:22,436,483, T>C on the plus strand (A>G on the coding strand, the complement: ADGRA3 is on the minus strand). VCF-style: chr4-22436483-T-C. GRCh37 (hg19) VCF-style: chr4-22438106-T-C.
Other names: short protein forms Q415R.
Identifiers: ClinVar variation 3696389 (VCV003696389.2).